The following is an entry in ClinVar:

NM_003722.5(TP63):c.881A>G (p.Gln294Arg)

Gene: TP63 (tumor protein p63; plus strand). Cytogenetic location: 3q28.
Variant type: single nucleotide variant.
Coding change: c.881A>G on transcript NM_003722.5 (MANE Select); coding-DNA position 881, A replaced by G.
Protein change: p.Gln294Arg; replaces glutamine 294 with arginine.
Molecular consequence: missense variant.
Genome position (GRCh38, 1-based): chr3:189,866,796, A>G. VCF-style: chr3-189866796-A-G. GRCh37 (hg19) VCF-style: chr3-189584585-A-G.
Other names: c.881A>G, p.Gln294Arg (NM_001114978.2, NM_001114979.2, NM_001329144.2 and 1 more transcripts); c.599A>G, p.Gln200Arg (NM_001114980.2, NM_001114981.2, NM_001114982.2 and 2 more transcripts); c.344A>G, p.Gln115Arg (NM_001329146.2, NM_001329150.2); c.875A>G, p.Gln292Arg (NM_001329964.2); short protein forms Q115R, Q200R, Q292R, Q294R.
Identifiers: ClinVar variation 1299512 (VCV001299512.1), dbSNP rs2108801985, ClinGen allele CA355754731.

ClinVar aggregate classification (germline): Likely pathogenic (1 of 4 stars; one submission).

Conditions:
Split hand-foot malformation 4. Also called: Split-Hand/Foot Malformation Type 4 (SHFM4); Split-Hand/Foot Malformation Type 4 (SHFM4 syndrome). Identifiers: Orphanet 2440, MedGen C1854442, MONDO:0011535, OMIM 605289.

Submission:

Laboratory of Medical Genetics, National & Kapodistrian University of Athens
Classification: Likely pathogenic for Split hand-foot malformation 4. Last evaluated: 2021-10-01. Review status: criteria provided, single submitter. Criteria: ACMG Guidelines, 2015. Collection method: clinical testing. Allele origin: unknown. Affected: yes.
Comment: PM1, PM2, PP2, PP3

Literature cited by the submitters: PubMed 34008892.